The following is an entry in ClinVar:

NM_020708.5(SLC12A5):c.942C>T (p.Thr314=)

Gene: SLC12A5 (solute carrier family 12 member 5; plus strand). Cytogenetic location: 20q13.12.
Variant type: single nucleotide variant.
Coding change: c.942C>T on transcript NM_020708.5 (MANE Select); coding-DNA position 942, C replaced by T.
Protein change: p.Thr314=; no amino-acid change (threonine 314 retained).
Molecular consequence: synonymous variant.
Genome position (GRCh38, 1-based): chr20:46,041,416, C>T. VCF-style: chr20-46041416-C-T. GRCh37 (hg19) VCF-style: chr20-44670055-C-T.
Other names: c.1011C>T, p.Thr337= (NM_001134771.2).
Identifiers: ClinVar variation 475661 (VCV000475661.54), dbSNP rs143072268, ClinGen allele CA9887186.

ClinVar aggregate classification (germline): Likely benign. Review status: criteria provided, multiple submitters, no conflicts (2 of 4 stars). 4 submissions from 4 submitters: Likely benign (4). Last evaluated 2026-03-16.

Conditions:
Developmental and epileptic encephalopathy, 34 (DEE34). Also called: Early infantile epileptic encephalopathy 34; SLC12A5-Related Epilepsy of Infancy with Migrating Focal Seizures. Identifiers: Orphanet 293181, MedGen C4225257, MONDO:0014718, OMIM 616645.

Allele frequency attached by ClinVar (database versions not stated): ExAC 0.00038; TOPMed 0.00043; gnomAD exomes 0.00045 and 0.00022; ESP Exome Variant Server 0.00015; 1000 Genomes Project 30x 0.00016; 1000 Genomes Project 0.00020; gnomAD 0.00026 and 0.00027.
gnomAD v4.1: 361 of 1,614,160 alleles (0.022%); highest among the groups gnomAD compares: South Asian, 0.12%; 2 homozygotes.

Submissions (4):

Women's Health and Genetics/Laboratory Corporation of America, LabCorp
Classification: Likely benign. Last evaluated: 2026-03-16. Review status: criteria provided, single submitter. Criteria: LabCorp Variant Classification Summary - May 2015. Collection method: clinical testing. Allele origin: germline.

Labcorp Genetics (formerly Invitae), Labcorp
Classification: Likely benign for Developmental and epileptic encephalopathy, 34. Last evaluated: 2026-01-13. Review status: criteria provided, single submitter. Criteria: Invitae Variant Classification Sherloc (09022015). Collection method: clinical testing. Allele origin: germline.

Blueprint Genetics
Classification: Likely benign. Last evaluated: 2024-11-17. Review status: criteria provided, single submitter. Criteria: ACMG Guidelines, 2015. Collection method: clinical testing. Allele origin: germline.

CeGaT Center for Human Genetics Tuebingen
Classification: Likely benign. Last evaluated: 2024-10-01. Review status: criteria provided, single submitter. Criteria: CeGaT Center For Human Genetics Tuebingen Variant Classification Criteria Version 2. Collection method: clinical testing. Allele origin: germline. Affected: yes. Observed: 5 variant alleles.
Comment: SLC12A5: BP4, BS2